The following is an entry in ClinVar:

ClinVar aggregate classification (germline): Likely pathogenic (1 of 4 stars; one submission).

Conditions:
Usher syndrome type 2A. Also called: RETINAL DISEASE IN USHER SYNDROME TYPE IIA, MODIFIER OF; USHER SYNDROME, TYPE IIA. Identifiers: Orphanet 231178, Orphanet 886, MedGen C1848634, MONDO:0010169, OMIM 276901.

Submission:

Natera, Inc.
Classification: Likely pathogenic for Usher syndrome type 2A. Last evaluated: 2025-03-10. Review status: criteria provided, single submitter. Criteria: Natera Variant Classification Schema (03/2026). Collection method: clinical testing. Allele origin: germline.
Comment: The c.2938_2940delinsAAGCATCTTTG variant in USH2A is a frameshift variant predicted to shift the reading frame beginning at codon 980 and leads to a stop codon 34 codons downstream. This variant is expected to result in nonsense mediated decay, truncation, or a dysfunctional protein product. This variant is rare in the general population with a frequency below the threshold expected for the associated phenotype(s). Given the available evidence, this variant is classified as Likely Pathogenic.

NM_206933.4(USH2A):c.2938_2940delinsAAGCATCTTTG (p.Gln980fs)

Genes: USH2A (usherin; minus strand), USH2A-AS1 (USH2A antisense RNA 1; plus strand). Cytogenetic location: 1q41.
Variant type: Indel.
Coding change: c.2938_2940delinsAAGCATCTTTG on transcript NM_206933.4 (MANE Select); coding-DNA positions 2938 to 2940, CAA replaced by AAGCATCTTTG.
Protein change: p.Gln980fs; shifts the reading frame from glutamine 980.
Molecular consequence: frameshift variant.
Genome position (GRCh38, 1-based): chr1:216,232,006-216,232,008, TTG replaced by CAAAGATGCTT on the plus strand (CAA replaced by AAGCATCTTTG on the coding strand, the reverse complement: USH2A is on the minus strand). VCF-style: chr1-216232006-TTG-CAAAGATGCTT. GRCh37 (hg19) VCF-style: chr1-216405348-TTG-CAAAGATGCTT.
Other names: c.2938_2940delinsAAGCATCTTTG, p.Gln980fs (NM_007123.6); short protein forms Q980fs.
Identifiers: ClinVar variation 4817111 (VCV004817111.1).
Genomic context (GRCh38, chr1:216,232,006, plus strand): 5'-GATGTACCTTCCAGTCTGAGGATCAAATCCAAAGTAATGGTCTTTGCATTGGTCACAACG[TTG>CAAAGATGCTT]CCCAGCAATGGAAGCATCTTGGCAAACACACTGACCAGTCAGGCTATTACAGATGTGATT-3'